The following is an entry in ClinVar:

ClinVar aggregate classification (germline): Uncertain significance (1 of 4 stars; one submission).

Conditions:
Gorlin syndrome. Also called: Basal cell nevus syndrome; Nevoid Basal Cell Carcinoma Syndrome. Identifiers: Orphanet 377, MedGen C0004779, MONDO:0007187.

Submission:

Labcorp Genetics (formerly Invitae), Labcorp
Classification: Uncertain significance for Gorlin syndrome. Last evaluated: 2021-06-12. Review status: criteria provided, single submitter. Criteria: Invitae Variant Classification Sherloc (09022015). Collection method: clinical testing. Allele origin: germline.
Comment: In summary, the available evidence is currently insufficient to determine the role of this variant in disease. Therefore, it has been classified as a Variant of Uncertain Significance. Advanced modeling of protein sequence and biophysical properties (such as structural, functional, and spatial information, amino acid conservation, physicochemical variation, residue mobility, and thermodynamic stability) performed at Invitae indicates that this missense variant is not expected to disrupt PTCH1 protein function. This variant has not been reported in the literature in individuals with PTCH1-related conditions. This variant is not present in population databases (ExAC no frequency). This sequence change replaces arginine with glycine at codon 1342 of the PTCH1 protein (p.Arg1342Gly). The arginine residue is weakly conserved and there is a moderate physicochemical difference between arginine and glycine.

NM_000264.5(PTCH1):c.4024C>G (p.Arg1342Gly)

Gene: PTCH1 (patched 1; minus strand). Cytogenetic location: 9q22.32.
Variant type: single nucleotide variant.
Coding change: c.4024C>G on transcript NM_000264.5 (MANE Select); coding-DNA position 4024, C replaced by G.
Protein change: p.Arg1342Gly; replaces arginine 1342 with glycine.
Molecular consequence: missense variant. On other transcripts: non-coding transcript variant (1).
Genome position (GRCh38, 1-based): chr9:95,447,232, G>C on the plus strand (C>G on the coding strand, the complement: PTCH1 is on the minus strand). VCF-style: chr9-95447232-G-C. GRCh37 (hg19) VCF-style: chr9-98209514-G-C.
Other names: c.3826C>G, p.Arg1276Gly (NM_001083602.3); c.4021C>G, p.Arg1341Gly (NM_001083603.3); c.3571C>G, p.Arg1191Gly (NM_001083604.3, NM_001083605.3, NM_001083606.3 and 1 more transcripts); c.3868C>G, p.Arg1290Gly (NM_001354918.2); short protein forms R1276G, R1290G, R1341G, R1191G, R1342G.
Identifiers: ClinVar variation 1360414 (VCV001360414.8), dbSNP rs781539921, ClinGen allele CA374110454.